The following is an entry in ClinVar:

ClinVar aggregate classification (germline): Conflicting classifications of pathogenicity. Review status: criteria provided, conflicting classifications (1 of 4 stars). 4 submissions from 4 submitters: Uncertain significance (2); Benign (1); Likely benign (1). Last evaluated 2026-01-07.

Conditions:
Hereditary cancer-predisposing syndrome. Also called: Tumor predisposition; Hereditary neoplastic syndrome; Neoplastic Syndromes, Hereditary; Hereditary Cancer Syndrome. Identifiers: Orphanet 140162, MedGen C0027672, MeSH D009386, MONDO:0015356.
Gorlin syndrome. Also called: Nevoid Basal Cell Carcinoma Syndrome; Basal cell nevus syndrome. Identifiers: Orphanet 377, MedGen C0004779, MONDO:0007187.
PTCH1-related disorder. Also called: PTCH1-related disorders; PTCH1-related condition.

Allele frequency attached by ClinVar (database versions not stated): gnomAD exomes 0.00002; TOPMed 0.00002; ExAC 0.00003; gnomAD 0.00003; ESP Exome Variant Server 0.00008.
gnomAD v4.1: 33 of 1,614,030 alleles (0.002%); highest among the groups gnomAD compares: South Asian, 0.0055%; no homozygotes.

Submissions (4):

Labcorp Genetics (formerly Invitae), Labcorp
Classification: Benign for Gorlin syndrome. Last evaluated: 2026-01-07. Review status: criteria provided, single submitter. Criteria: Invitae Variant Classification Sherloc (09022015). Collection method: clinical testing. Allele origin: germline.

PreventionGenetics, part of Exact Sciences
Classification: Uncertain significance for PTCH1-related condition. Last evaluated: 2023-09-29. Review status: criteria provided, single submitter. Criteria: ACMG Guidelines, 2015. Collection method: clinical testing. Allele origin: germline.
Comment: The PTCH1 c.3739G>A variant is predicted to result in the amino acid substitution p.Ala1247Thr. To our knowledge, this variant has not been reported in the literature. This variant is reported in 0.019% of alleles in individuals of Ashkenazi Jewish descent in gnomAD. At this time, the clinical significance of this variant is uncertain due to the absence of conclusive functional and genetic evidence.

Ambry Genetics
Classification: Likely benign for Hereditary cancer-predisposing syndrome. Last evaluated: 2022-08-26. Review status: criteria provided, single submitter. Criteria: Ambry Variant Classification Scheme 2023. Collection method: clinical testing. Allele origin: germline.

Quest Diagnostics Nichols Institute San Juan Capistrano
Classification: Uncertain significance. Last evaluated: 2021-08-03. Review status: criteria provided, single submitter. Criteria: Quest Diagnostics criteria. Collection method: clinical testing. Allele origin: unknown.

Literature cited by the submitters: PubMed 29641532 (cited by Ambry Genetics).

NM_000264.5(PTCH1):c.3739G>A (p.Ala1247Thr)

Gene: PTCH1 (patched 1; minus strand). Cytogenetic location: 9q22.32.
Variant type: single nucleotide variant.
Coding change: c.3739G>A on transcript NM_000264.5 (MANE Select); coding-DNA position 3739, G replaced by A.
Protein change: p.Ala1247Thr; replaces alanine 1247 with threonine.
Molecular consequence: missense variant. On other transcripts: non-coding transcript variant (1).
Genome position (GRCh38, 1-based): chr9:95,449,134, C>T on the plus strand (G>A on the coding strand, the complement: PTCH1 is on the minus strand). VCF-style: chr9-95449134-C-T. GRCh37 (hg19) VCF-style: chr9-98211416-C-T.
Other names: c.3541G>A, p.Ala1181Thr (NM_001083602.3); c.3736G>A, p.Ala1246Thr (NM_001083603.3); c.3286G>A, p.Ala1096Thr (NM_001083604.3, NM_001083605.3, NM_001083606.3 and 1 more transcripts); c.3583G>A, p.Ala1195Thr (NM_001354918.2); short protein forms A1181T, A1247T, A1195T, A1246T, A1096T.
Identifiers: ClinVar variation 219738 (VCV000219738.13), dbSNP rs369966295, ClinGen allele CA347981.